The following is an entry in ClinVar:

NM_001288705.3(CSF1R):c.2213_2214dup (p.Glu739fs)

Gene: CSF1R (colony stimulating factor 1 receptor; minus strand). Cytogenetic location: 5q32.
Variant type: Microsatellite.
Coding change: c.2213_2214dup on transcript NM_001288705.3 (MANE Select); coding-DNA positions 2213 to 2214, 2 bases duplicated (CT; older notation c.2213_2214dupCT).
Protein change: p.Glu739fs; shifts the reading frame from glutamic acid 739.
Molecular consequence: frameshift variant. On other transcripts: non-coding transcript variant (2).
Genome position (GRCh38, 1-based): chr5:150,057,511-150,057,512, AG duplicated on the plus strand (CT on the coding strand, the reverse complement: CSF1R is on the minus strand); duplicating any 2 consecutive bases within chr5:150,057,511-150,057,515 gives the same sequence; the c. name uses the placement nearest the transcript's 3' end. VCF-style (leftmost placement, unchanged base first): chr5-150057510-C-CAG. GRCh37 (hg19) VCF-style: chr5-149437073-C-CAG.
Other names: c.2213_2214dup, p.Glu739fs (NM_001349736.2, NM_001375320.1, NM_005211.4); c.1769_1770dup, p.Glu591fs (NM_001375321.1); short protein forms E739fs, E591fs.
Identifiers: ClinVar variation 4722539 (VCV004722539.1).

ClinVar aggregate classification (germline): Pathogenic (1 of 4 stars; one submission).

Submission:

Labcorp Genetics (formerly Invitae), Labcorp
Classification: Pathogenic. Last evaluated: 2025-08-23. Review status: criteria provided, single submitter. Criteria: Invitae Variant Classification Sherloc (09022015). Collection method: clinical testing. Allele origin: germline.
Comment: This sequence change creates a premature translational stop signal (p.Glu739Leufs*25) in the CSF1R gene. It is expected to result in an absent or disrupted protein product. Loss-of-function variants in CSF1R are known to be pathogenic (PMID: 22046273, 24120500, 24145216, 24336230, 30982608, 30982609). This variant is not present in population databases (gnomAD no frequency). This variant has not been reported in the literature in individuals affected with CSF1R-related conditions. For these reasons, this variant has been classified as Pathogenic.

Literature cited by the submitters: PubMed 22046273; PubMed 24120500; PubMed 24145216; PubMed 24336230; PubMed 30982608; PubMed 30982609.